The following is an entry in ClinVar:

ClinVar aggregate classification (germline): Likely benign (1 of 4 stars; one submission).

Conditions:
MYH11-related disorder. Also called: MYH11-related condition.

Submission:

PreventionGenetics, part of Exact Sciences
Classification: Likely benign for MYH11-related condition. Last evaluated: 2024-10-28. Review status: criteria provided, single submitter. Criteria: ACMG Guidelines, 2015. Collection method: clinical testing. Allele origin: germline.
Comment: This variant is classified as likely benign based on ACMG/AMP sequence variant interpretation guidelines (Richards et al. 2015 PMID: 25741868, with internal and published modifications).

NM_002474.3(MYH11):c.3273G>A (p.Glu1091=)

Gene: MYH11 (myosin heavy chain 11; minus strand). Cytogenetic location: 16p13.11.
Variant type: single nucleotide variant.
Coding change: c.3273G>A on transcript NM_002474.3 (MANE Select); coding-DNA position 3273, G replaced by A.
Protein change: p.Glu1091=; no amino-acid change (glutamic acid 1091 retained).
Molecular consequence: synonymous variant.
Genome position (GRCh38, 1-based): chr16:15,737,469, C>T on the plus strand (G>A on the coding strand, the complement: MYH11 is on the minus strand). VCF-style: chr16-15737469-C-T. GRCh37 (hg19) VCF-style: chr16-15831326-C-T.
Other names: c.3294G>A, p.Glu1098= (NM_001040113.2, NM_001040114.2); c.3273G>A, p.Glu1091= (NM_022844.3).
Identifiers: ClinVar variation 4984124 (VCV004984124.1).